The following is an entry in ClinVar:

ClinVar aggregate classification (germline): Pathogenic. Review status: criteria provided, multiple submitters, no conflicts (2 of 4 stars). 2 submissions from 2 submitters: Pathogenic (2). Last evaluated 2024-09-01.

Conditions:
Cardiovascular phenotype. Identifiers: MedGen CN230736.
Hereditary cancer-predisposing syndrome. Also called: Hereditary neoplastic syndrome; Neoplastic Syndromes, Hereditary; Tumor predisposition; Hereditary Cancer Syndrome. Identifiers: Orphanet 140162, MedGen C0027672, MeSH D009386, MONDO:0015356.

Submissions (2):

CeGaT Center for Human Genetics Tuebingen
Classification: Pathogenic. Last evaluated: 2024-09-01. Review status: criteria provided, single submitter. Criteria: CeGaT Center For Human Genetics Tuebingen Variant Classification Criteria Version 2. Collection method: clinical testing. Allele origin: germline. Affected: yes. Observed: 1 variant allele.
Comment: LZTR1: PVS1, PM2

Ambry Genetics
Classification: Pathogenic for Cardiovascular phenotype; Hereditary cancer-predisposing syndrome. Last evaluated: 2022-02-25. Review status: criteria provided, single submitter. Criteria: Ambry Variant Classification Scheme 2023. Collection method: clinical testing. Allele origin: germline.
Comment: The c.1807delG pathogenic mutation, located in coding exon 16 of the LZTR1 gene, results from a deletion of one nucleotide at nucleotide position 1807, causing a translational frameshift with a predicted alternate stop codon (p.V603*). This alteration is expected to result in loss of function by premature protein truncation or nonsense-mediated mRNA decay. Loss-of-function variants in LZTR1 are related to an increased risk for schwannomas and autosomal recessive Noonan syndrome; however, such associations with autosomal dominant Noonan syndrome have not been observed (Piotrowski A et al. Nat Genet. 2014 Feb;46:182-7; Yamamoto GL et al. J Med Genet. 2015 Jun;52:413-21; Johnston JJ et al. Genet Med. 2018 10;20:1175-1185). Based on the supporting evidence, this variant is pathogenic for an increased risk of LZTR1-related schwannomatosis (SWN) and would be expected to cause autosomal recessive Noonan syndrome when present along with a second pathogenic or likely pathogenic variant on the other allele; however, the association of this alteration with autosomal dominant Noonan syndrome is unlikely.

NM_006767.4(LZTR1):c.1807del (p.Val602_Val603insTer)

Gene: LZTR1 (leucine zipper like post translational regulator 1; plus strand). Cytogenetic location: 22q11.21.
Variant type: Deletion.
Coding change: c.1807del on transcript NM_006767.4 (MANE Select); coding-DNA position 1807, one base deleted (G; older notation c.1807delG).
Protein change: p.Val602_Val603insTer.
Molecular consequence: nonsense.
Genome position (GRCh38, 1-based): chr22:20,994,891, G deleted; the last of 2 consecutive G bases (chr22:20,994,890-20,994,891); deleting either gives the same sequence. VCF-style (leftmost placement, unchanged base first): chr22-20994889-TG-T. GRCh37 (hg19) VCF-style: chr22-21349178-TG-T.
Identifiers: ClinVar variation 1780500 (VCV001780500.17), dbSNP rs2518622339, ClinGen allele CA2580099232.